The following is an entry in ClinVar:

NM_014363.6(SACS):c.141G>A (p.Ser47=)

Genes: SACS (sacsin molecular chaperone; minus strand), LOC130009366 (ATAC-STARR-seq lymphoblastoid silent region 5172; plus strand). Cytogenetic location: 13q12.12.
Variant type: single nucleotide variant.
Coding change: c.141G>A on transcript NM_014363.6 (MANE Select); coding-DNA position 141, G replaced by A.
Protein change: p.Ser47=; no amino-acid change (serine 47 retained).
Molecular consequence: synonymous variant. On other transcripts: 5 prime UTR variant (1).
Genome position (GRCh38, 1-based): chr13:23,375,149, C>T on the plus strand (G>A on the coding strand, the complement: SACS is on the minus strand). VCF-style: chr13-23375149-C-T. GRCh37 (hg19) VCF-style: chr13-23949288-C-T.
Other names: c.-213G>A (NM_001278055.2).
Identifiers: ClinVar variation 647976 (VCV000647976.34), dbSNP rs1593160882, ClinGen allele CA482928768.

ClinVar aggregate classification (germline): Likely benign. Review status: criteria provided, multiple submitters, no conflicts (2 of 4 stars). 3 submissions from 3 submitters: Likely benign (2). 1 of the submissions does not count toward it. Last evaluated 2023-09-20.

Conditions:
Spastic paraplegia. Identifiers: MedGen C0037772, HP:0001258.
Charlevoix-Saguenay spastic ataxia (SACS). Also called: SPASTIC ATAXIA 6, AUTOSOMAL RECESSIVE; Spastic ataxia of Charlevoix-Saguenay; AUTOSOMAL RECESSIVE SPASTIC ATAXIA OF CHARLEVOIX-SAGUENAY. Identifiers: Orphanet 98, MedGen C1849140, MONDO:0010041, OMIM 270550.

Allele frequency attached by ClinVar (database versions not stated): gnomAD exomes 0.00001.

Submissions (3):

Labcorp Genetics (formerly Invitae), Labcorp
Classification: Likely benign for Spastic paraplegia. Last evaluated: 2023-09-20. Review status: criteria provided, single submitter. Criteria: Invitae Variant Classification Sherloc (09022015). Collection method: clinical testing. Allele origin: germline.

CeGaT Center for Human Genetics Tuebingen
Classification: Likely benign. Last evaluated: 2023-02-01. Review status: criteria provided, single submitter. Criteria: CeGaT Center For Human Genetics Tuebingen Variant Classification Criteria Version 2. Collection method: clinical testing. Allele origin: germline. Affected: yes. Observed: 1 variant allele.
Comment: SACS: PM2:Supporting, BP4, BP7

Natera, Inc.
Classification: Uncertain significance for Charlevoix-Saguenay type spastic ataxia. Last evaluated: 2020-12-02. Review status: no assertion criteria provided. Collection method: clinical testing. Allele origin: germline. Not counted in ClinVar's aggregate classification.